The following is an entry in ClinVar:

ClinVar aggregate classification (germline): Likely pathogenic (1 of 4 stars; one submission).

Conditions:
Dilated cardiomyopathy 1G (CMD1G). Identifiers: Orphanet 154, MedGen C1858763, MONDO:0011400, OMIM 604145.
Autosomal recessive limb-girdle muscular dystrophy type 2J (LGMDR10). Also called: Limb-girdle muscular dystrophy, type 2J; MUSCULAR DYSTROPHY, LIMB-GIRDLE, AUTOSOMAL RECESSIVE 10. Identifiers: Orphanet 140922, MedGen C1837342, MONDO:0012127, OMIM 608807.

Submissions (2):

Labcorp Genetics (formerly Invitae), Labcorp
Classification: Likely pathogenic for Dilated cardiomyopathy 1G; Autosomal recessive limb-girdle muscular dystrophy type 2J. Last evaluated: 2025-01-29. Review status: criteria provided, single submitter. Criteria: Invitae Variant Classification Sherloc (09022015). Collection method: clinical testing. Allele origin: germline.
Comment: This sequence change creates a premature translational stop signal (p.Leu34368*) in the TTN gene. While this is not anticipated to result in nonsense mediated decay, it is expected to create a truncated TTN protein. This variant is not present in population databases (gnomAD no frequency). This premature translational stop signal has been observed in individual(s) with cardiomyopathy (PMID: 34731013). This variant is located in the M band of TTN (PMID: 25589632). Truncating variants in this region have been previously reported in individuals affected with autosomal dominant or autosomal recessive myopathy and muscular dystrophy (PMID: 18948003, 23975875, 24395473). Truncating variants in this region have also been identified in individuals affected with autosomal dominant dilated cardiomyopathy and/or cardio-related conditions (PMID: 27869827, 32964742, internal data). In summary, the currently available evidence indicates that the variant is pathogenic, but additional data are needed to prove that conclusively. Therefore, this variant has been classified as Likely Pathogenic.

Dr. Peter K. Rogan Lab, Western University
No classification provided (evidence only). Condition: Gastric cancer. Review status: no classification provided. Collection method: in vitro. Allele origin: not applicable. Functional consequence: retained intron. Not counted in ClinVar's aggregate classification.

Literature cited by the submitters: PubMed 34731013 (cited by Labcorp Genetics (formerly Invitae), Labcorp); PubMed 25589632 (cited by Labcorp Genetics (formerly Invitae), Labcorp); PubMed 18948003 (cited by Labcorp Genetics (formerly Invitae), Labcorp); PubMed 23975875 (cited by Labcorp Genetics (formerly Invitae), Labcorp); PubMed 24395473 (cited by Labcorp Genetics (formerly Invitae), Labcorp); PubMed 27869827 (cited by Labcorp Genetics (formerly Invitae), Labcorp); PubMed 32964742 (cited by Labcorp Genetics (formerly Invitae), Labcorp).

NM_001267550.2(TTN):c.103103T>G (p.Leu34368Ter)

Genes: TTN (titin; minus strand), TTN-AS1 (TTN antisense RNA 1; plus strand). Cytogenetic location: 2q31.2.
Variant type: single nucleotide variant.
Coding change: c.103103T>G on transcript NM_001267550.2 (MANE Select); coding-DNA position 103103, T replaced by G.
Protein change: p.Leu34368Ter; replaces leucine 34368 with a stop codon.
Molecular consequence: nonsense.
Genome position (GRCh38, 1-based): chr2:178,533,512, A>C on the plus strand (T>G on the coding strand, the complement: TTN is on the minus strand). VCF-style: chr2-178533512-A-C. GRCh37 (hg19) VCF-style: chr2-179398239-A-C.
Other names: c.98180T>G, p.Leu32727Ter (NM_001256850.1); c.75908T>G, p.Leu25303Ter (NM_003319.4); c.95399T>G, p.Leu31800Ter (NM_133378.4); c.76283T>G, p.Leu25428Ter (NM_133432.3); c.76484T>G, p.Leu25495Ter (NM_133437.4); short protein forms L25303*, L25428*, L25495*, L31800*, L32727*, L34368*.
Identifiers: ClinVar variation 3762920 (VCV003762920.3).
Genomic context (GRCh38, chr2:178,533,512, plus strand): 5'-CCAGACACTCTGATCTCAAAGCAGACACTTTGGCCTTCTTGGCATTCTGCATTTGCCAGT[A>C]ACCTTTTGAACATGGGTCTTAAGGTACTATCTGTTGGAGGTGGGTGTAGGGTTACTGTCA-3'